The following is an entry in ClinVar:

ClinVar aggregate classification (germline): Uncertain significance. Review status: criteria provided, multiple submitters, no conflicts (2 of 4 stars). 4 submissions from 4 submitters: Uncertain significance (4). Last evaluated 2025-05-12.

Conditions:
Cardiovascular phenotype. Identifiers: MedGen CN230736.
Cardiomyopathy (CMYO). Also called: Cardiomyopathies. Identifiers: Orphanet 167848, MedGen C0878544, MONDO:0004994, HP:0001638. Inheritance: Various modes of inheritance.
Hypertrophic cardiomyopathy. Also called: HYPERTROPHIC MYOCARDIOPATHY. Identifiers: Orphanet 217569, MedGen C0007194, MeSH D002312, MONDO:0005045, HP:0001639.

Allele frequency attached by ClinVar (database versions not stated): gnomAD exomes below 0.00001; TOPMed below 0.00001.
gnomAD v4.1: 5 of 1,612,938 alleles (0.00031%); highest among the groups gnomAD compares: Non-Finnish European, 0.00042%; no homozygotes.

Submissions (4):

Color Diagnostics, LLC DBA Color Health
Classification: Uncertain significance for Cardiomyopathy. Last evaluated: 2025-05-12. Review status: criteria provided, single submitter. Criteria: ACMG Guidelines, 2015. Collection method: clinical testing. Allele origin: germline.
Comment: This missense variant replaces leucine with methionine at codon 1414 of the MYH7 protein. Computational prediction suggests that this variant may have a deleterious impact on protein structure and function. To our knowledge, functional studies have not been reported for this variant. This variant has been reported in an individual affected with hypertrophic cardiomyopathy (PMID: 18403758). This variant has not been identified in the general population by the Genome Aggregation Database (gnomAD). The available evidence is insufficient to determine the role of this variant in disease conclusively. Therefore, this variant is classified as a Variant of Uncertain Significance.

Ambry Genetics
Classification: Uncertain significance for Cardiovascular phenotype. Last evaluated: 2025-01-31. Review status: criteria provided, single submitter. Criteria: Ambry Variant Classification Scheme 2023. Collection method: clinical testing. Allele origin: germline.
Comment: The p.L1414M variant (also known as c.4240C>A), located in coding exon 29 of the MYH7 gene, results from a C to A substitution at nucleotide position 4240. The leucine at codon 1414 is replaced by methionine, an amino acid with highly similar properties. This alteration has been reported in a hypertrophic cardiomyopathy (HCM) cohort and has been reported as a secondary cardiac variant in an exome cohort (Morita H et al. N. Engl. J. Med., 2008 May;358:1899-90; Ng D et al. Circ Cardiovasc Genet, 2013 Aug;6:337-46). This amino acid position is highly conserved in available vertebrate species. In addition, this alteration is predicted to be deleterious by in silico analysis. Since supporting evidence is limited at this time, the clinical significance of this alteration remains unclear.

Labcorp Genetics (formerly Invitae), Labcorp
Classification: Uncertain significance for Hypertrophic cardiomyopathy. Last evaluated: 2024-03-01. Review status: criteria provided, single submitter. Criteria: Invitae Variant Classification Sherloc (09022015). Collection method: clinical testing. Allele origin: germline.
Comment: This sequence change replaces leucine, which is neutral and non-polar, with methionine, which is neutral and non-polar, at codon 1414 of the MYH7 protein (p.Leu1414Met). This variant is not present in population databases (gnomAD no frequency). This missense change has been observed in individual(s) with hypertrophic cardiomyopathy (PMID: 18403758). ClinVar contains an entry for this variant (Variation ID: 191579). Advanced modeling of protein sequence and biophysical properties (such as structural, functional, and spatial information, amino acid conservation, physicochemical variation, residue mobility, and thermodynamic stability) performed at Invitae indicates that this missense variant is expected to disrupt MYH7 protein function with a positive predictive value of 95%. In summary, the available evidence is currently insufficient to determine the role of this variant in disease. Therefore, it has been classified as a Variant of Uncertain Significance.

Biesecker Lab/Clinical Genomics Section, National Institutes of Health
Classification: Uncertain significance for Cardiomyopathy, hypertrophic. Last evaluated: 2018-04-05. Review status: criteria provided, single submitter. Criteria: ACMG Guidelines, 2015. Collection method: research. Allele origin: unknown. Affected: no. Observed: 1 variant allele.
Comment: The study set was not selected for affection status in relation to arrhythmia or cardiomyopathy. Pathogenicity categories were based on literature curation. See Pubmed ID:25741868 for details.

Medical sequencing

Literature cited by the submitters: PubMed 18403758 (cited by 3 submitters).

NM_000257.4(MYH7):c.4240C>A (p.Leu1414Met)

Gene: MYH7 (myosin heavy chain 7; minus strand). Cytogenetic location: 14q11.2.
Variant type: single nucleotide variant.
Coding change: c.4240C>A on transcript NM_000257.4 (MANE Select); coding-DNA position 4240, C replaced by A.
Protein change: p.Leu1414Met; replaces leucine 1414 with methionine.
Molecular consequence: missense variant.
Genome position (GRCh38, 1-based): chr14:23,417,616, G>T on the plus strand (C>A on the coding strand, the complement: MYH7 is on the minus strand). VCF-style: chr14-23417616-G-T. GRCh37 (hg19) VCF-style: chr14-23886825-G-T.
Other names: c.4240C>A (LRG_384t1); short protein forms L1414M.
Identifiers: ClinVar variation 191579 (VCV000191579.13), dbSNP rs201895208, ClinGen allele CA014704.